The following is an entry in ClinVar:

ClinVar aggregate classification (germline): Pathogenic (1 of 4 stars; one submission).

Conditions:
Duchenne muscular dystrophy (DMD). Also called: Duchenne Muscular Dystrophy (DMD); MUSCULAR DYSTROPHY, PSEUDOHYPERTROPHIC PROGRESSIVE, DUCHENNE TYPE. Identifiers: Orphanet 98896, MedGen C0013264, MONDO:0010679, OMIM 310200.

Submission:

Labcorp Genetics (formerly Invitae), Labcorp
Classification: Pathogenic for Duchenne muscular dystrophy. Last evaluated: 2017-10-23. Review status: criteria provided, single submitter. Criteria: Invitae Variant Classification Sherloc (09022015). Collection method: clinical testing. Allele origin: germline.
Comment: This sequence change creates a premature translational stop signal (p.Glu2895Glyfs*15) in the DMD gene. It is expected to result in an absent or disrupted protein product. This variant is not present in population databases (ExAC no frequency). This variant has not been reported in the literature in individuals with DMD-related disease. Loss-of-function variants in DMD are known to be pathogenic (PMID: 16770791, 25007885). For these reasons, this variant has been classified as Pathogenic.

NM_004006.3(DMD):c.8683dup (p.Glu2895fs)

Gene: DMD (dystrophin; minus strand). Cytogenetic location: Xp21.2.
Variant type: Duplication.
Coding change: c.8683dup on transcript NM_004006.3 (MANE Select); coding-DNA position 8683, one base duplicated (G; older notation c.8683dupG).
Protein change: p.Glu2895fs; shifts the reading frame from glutamic acid 2895.
Molecular consequence: frameshift variant.
Genome position (GRCh38, 1-based): chrX:31,478,360, C duplicated on the plus strand (G on the coding strand, the reverse complement: DMD is on the minus strand); the first of 2 consecutive C bases (chrX:31,478,360-31,478,361); duplicating either gives the same sequence. VCF-style (leftmost placement, unchanged base first): chrX-31478359-T-TC. GRCh37 (hg19) VCF-style: chrX-31496476-T-TC.
Other names: c.8683dupG (NM_004006.2); c.8659dup, p.Glu2887fs (NM_000109.4); c.8671dup, p.Glu2891fs (NM_004009.3); c.8314dup, p.Glu2772fs (NM_004010.3); c.4660dup, p.Glu1554fs (NM_004011.4); c.4651dup, p.Glu1551fs (NM_004012.4); c.1303dup, p.Glu435fs (NM_004013.3, NM_004020.4, NM_004021.3 and 2 more transcripts); c.496dup, p.Glu166fs (NM_004014.3); short protein forms E1551fs, E2887fs, E166fs, E2891fs, E1554fs, E2772fs, E2895fs, E435fs.
Identifiers: ClinVar variation 526048 (VCV000526048.1), dbSNP rs1556656456, ClinGen allele CA658799642.